The following is an entry in ClinVar:

NM_001365999.1(SZT2):c.6817C>A (p.Leu2273Ile)

Gene: SZT2 (SZT2 subunit of KICSTOR complex; plus strand). Cytogenetic location: 1p34.2.
Variant type: single nucleotide variant.
Coding change: c.6817C>A on transcript NM_001365999.1 (MANE Select); coding-DNA position 6817, C replaced by A.
Protein change: p.Leu2273Ile; replaces leucine 2273 with isoleucine.
Molecular consequence: missense variant.
Genome position (GRCh38, 1-based): chr1:43,439,382, C>A. VCF-style: chr1-43439382-C-A. GRCh37 (hg19) VCF-style: chr1-43905053-C-A.
Other names: c.6646C>A, p.Leu2216Ile (NM_015284.4); short protein forms L2216I, L2273I.
Identifiers: ClinVar variation 2008909 (VCV002008909.4), dbSNP rs2545845439, ClinGen allele CA340032322.

ClinVar aggregate classification (germline): Uncertain significance (1 of 4 stars; one submission).

Submission:

Labcorp Genetics (formerly Invitae), Labcorp
Classification: Uncertain significance. Last evaluated: 2022-06-22. Review status: criteria provided, single submitter. Criteria: Invitae Variant Classification Sherloc (09022015). Collection method: clinical testing. Allele origin: germline.
Comment: Algorithms developed to predict the effect of missense changes on protein structure and function are either unavailable or do not agree on the potential impact of this missense change (SIFT: "Tolerated"; PolyPhen-2: "Possibly Damaging"; Align-GVGD: "Class C0"). This sequence change replaces leucine, which is neutral and non-polar, with isoleucine, which is neutral and non-polar, at codon 2216 of the SZT2 protein (p.Leu2216Ile). This variant is not present in population databases (gnomAD no frequency). This variant has not been reported in the literature in individuals affected with SZT2-related conditions. In summary, the available evidence is currently insufficient to determine the role of this variant in disease. Therefore, it has been classified as a Variant of Uncertain Significance.